The following is an entry in ClinVar:

ClinVar aggregate classification (germline): Likely pathogenic (1 of 4 stars; one submission).

Conditions:
Fetal anomalies with a likely genetic cause.

Submission:

Genetics Laboratory, Great Ormond Street Hospital NHS Foundation Trust, North Thames Genomic Laboratory Hub
Classification: Likely pathogenic for Fetal anomalies with a likely genetic cause. Last evaluated: 2026-09-01. Review status: criteria provided, single submitter. Criteria: ACGS Best Practice Guidelines for Variant Classification in Rare Disease 2024 v1.2. Collection method: clinical testing. Allele origin: germline. Affected: yes.
Comment: PM2_moderate, BP4_supporting, PM3_moderate, PP4_strong

NM_032634.4(PIGO):c.2603T>G (p.Leu868Arg)

Gene: PIGO (phosphatidylinositol glycan anchor biosynthesis class O; minus strand). Cytogenetic location: 9p13.3.
Variant type: single nucleotide variant.
Coding change: c.2603T>G on transcript NM_032634.4 (MANE Select); coding-DNA position 2603, T replaced by G.
Protein change: p.Leu868Arg; replaces leucine 868 with arginine.
Molecular consequence: missense variant.
Genome position (GRCh38, 1-based): chr9:35,091,284, A>C on the plus strand (T>G on the coding strand, the complement: PIGO is on the minus strand). VCF-style: chr9-35091284-A-C. GRCh37 (hg19) VCF-style: chr9-35091281-A-C.
Other names: c.1352T>G, p.Leu451Arg (NM_001201484.2, NM_152850.4); short protein forms L451R, L868R.
Identifiers: ClinVar variation 5038061 (VCV005038061.1).